The following is an entry in ClinVar:

ClinVar aggregate classification (germline): Uncertain significance. Review status: criteria provided, multiple submitters, no conflicts (2 of 4 stars). 2 submissions from 2 submitters: Uncertain significance (2). Last evaluated 2025-07-07.

Conditions:
Tumor predisposition syndrome 3 (TPDS3). Also called: Glioma susceptibility 9; LONG TELOMERE SYNDROME, POT1-RELATED; POT1 Tumor Predisposition; Melanoma, cutaneous malignant, susceptibility to, 10. Identifiers: Orphanet 618, MedGen C4014476, MONDO:0014368, OMIM 615848.
Hereditary cancer-predisposing syndrome. Also called: Tumor predisposition; Hereditary Cancer Syndrome; Hereditary neoplastic syndrome; Neoplastic Syndromes, Hereditary. Identifiers: Orphanet 140162, MedGen C0027672, MeSH D009386, MONDO:0015356.

Allele frequency attached by ClinVar (database versions not stated): gnomAD exomes below 0.00001.

Submissions (2):

Labcorp Genetics (formerly Invitae), Labcorp
Classification: Uncertain significance for Tumor predisposition syndrome 3. Last evaluated: 2025-07-07. Review status: criteria provided, single submitter. Criteria: Invitae Variant Classification Sherloc (09022015). Collection method: clinical testing. Allele origin: germline.
Comment: This sequence change replaces glutamic acid, which is acidic and polar, with lysine, which is basic and polar, at codon 631 of the POT1 protein (p.Glu631Lys). This variant is not present in population databases (gnomAD no frequency). This variant has not been reported in the literature in individuals affected with POT1-related conditions. ClinVar contains an entry for this variant (Variation ID: 820287). An algorithm developed to predict the effect of missense changes on protein structure and function (PolyPhen-2) suggests that this variant is likely to be tolerated. In summary, the available evidence is currently insufficient to determine the role of this variant in disease. Therefore, it has been classified as a Variant of Uncertain Significance.

Ambry Genetics
Classification: Uncertain significance for Hereditary cancer-predisposing syndrome. Last evaluated: 2022-09-01. Review status: criteria provided, single submitter. Criteria: Ambry Variant Classification Scheme 2023. Collection method: clinical testing. Allele origin: germline.
Comment: The p.E631K variant (also known as c.1891G>A), located in coding exon 15 of the POT1 gene, results from a G to A substitution at nucleotide position 1891. The glutamic acid at codon 631 is replaced by lysine, an amino acid with similar properties. This amino acid position is well conserved in available vertebrate species. In addition, this alteration is predicted to be tolerated by in silico analysis. Since supporting evidence is limited at this time, the clinical significance of this alteration remains unclear.

NM_015450.3(POT1):c.1891G>A (p.Glu631Lys)

Gene: POT1 (protection of telomeres 1; minus strand). Cytogenetic location: 7q31.33.
Variant type: single nucleotide variant.
Coding change: c.1891G>A on transcript NM_015450.3 (MANE Select); coding-DNA position 1891, G replaced by A.
Protein change: p.Glu631Lys; replaces glutamic acid 631 with lysine.
Molecular consequence: missense variant. On other transcripts: non-coding transcript variant (3).
Genome position (GRCh38, 1-based): chr7:124,823,976, C>T on the plus strand (G>A on the coding strand, the complement: POT1 is on the minus strand). VCF-style: chr7-124823976-C-T. GRCh37 (hg19) VCF-style: chr7-124464030-C-T.
Other names: c.1498G>A, p.Glu500Lys (NM_001042594.2); short protein forms E500K, E631K.
Identifiers: ClinVar variation 820287 (VCV000820287.13), dbSNP rs1584745486, ClinGen allele CA369061077.